The following is an entry in ClinVar:

NM_016633.4(AHSP):c.138C>T (p.Asn46=)

Gene: AHSP (alpha hemoglobin stabilizing protein; plus strand). Cytogenetic location: 16p11.2.
Variant type: single nucleotide variant.
Coding change: c.138C>T on transcript NM_016633.4 (MANE Select); coding-DNA position 138, C replaced by T.
Protein change: p.Asn46=; no amino-acid change (asparagine 46 retained).
Molecular consequence: synonymous variant.
Genome position (GRCh38, 1-based): chr16:31,528,520, C>T. VCF-style: chr16-31528520-C-T. GRCh37 (hg19) VCF-style: chr16-31539841-C-T.
Other names: p.Asn46=; c.138C>T, p.Asn46= (NM_001318221.2, NM_001318222.2).
Identifiers: ClinVar variation 3033540 (VCV003033540.3), dbSNP rs138933333, ClinGen allele CA8032088.

ClinVar aggregate classification (germline): Likely benign. Review status: criteria provided, single submitter (1 of 4 stars). 2 submissions from 2 submitters: Likely benign (1). 1 of the submissions does not count toward it. Last evaluated 2025-06-17.

Conditions:
AHSP-related disorder. Also called: AHSP-related condition.

Allele frequency attached by ClinVar (database versions not stated): 1000 Genomes Project 0.00160; gnomAD 0.00028; ExAC 0.00053; 1000 Genomes Project 30x 0.00125; gnomAD exomes 0.00028; TOPMed 0.00037.

Submissions (2):

Mayo Clinic Laboratories, Mayo Clinic
Classification: Likely benign. Last evaluated: 2025-06-17. Review status: criteria provided, single submitter. Criteria: ACMG Guidelines, 2015. Collection method: clinical testing. Allele origin: germline. Observed: 1 variant allele.
Comment: BP4, BP7

PreventionGenetics, part of Exact Sciences
Classification: Likely benign for AHSP-related condition. Last evaluated: 2019-04-09. Review status: no assertion criteria provided. Collection method: clinical testing. Allele origin: germline. Not counted in ClinVar's aggregate classification.
Comment: This variant is classified as likely benign based on ACMG/AMP sequence variant interpretation guidelines (Richards et al. 2015 PMID: 25741868, with internal and published modifications).